The following is an entry in ClinVar:

ClinVar aggregate classification (germline): Uncertain significance (1 of 4 stars; one submission).

Submission:

GeneDx
Classification: Uncertain significance. Last evaluated: 2023-06-13. Review status: criteria provided, single submitter. Criteria: GeneDx Variant Classification Process June 2021. Collection method: clinical testing. Allele origin: germline. Affected: yes.
Comment: Has been published as segregating with growth hormone deficiency and maternally inherited gingival fibromatosis in a large family (Tominska et al., 2017); Functional studies suggest this variant may reduce pituitary hormone secretion and cause impaired Ca2+ sensitivity (Tominska et al., 2017, Bauer et al., 2022); Not observed at significant frequency in large population cohorts (gnomAD); In silico analysis supports that this missense variant has a deleterious effect on protein structure/function; This variant is associated with the following publications: (PMID: 36077086, 29097701)

NM_000218.3(KCNQ1):c.347G>T (p.Arg116Leu)

Gene: KCNQ1 (potassium voltage-gated channel subfamily Q member 1; plus strand). Cytogenetic location: 11p15.5.
Variant type: single nucleotide variant.
Coding change: c.347G>T on transcript NM_000218.3 (MANE Select); coding-DNA position 347, G replaced by T.
Protein change: p.Arg116Leu; replaces arginine 116 with leucine.
Molecular consequence: missense variant. On other transcripts: 5 prime UTR variant (1).
Genome position (GRCh38, 1-based): chr11:2,445,445, G>T. VCF-style: chr11-2445445-G-T. GRCh37 (hg19) VCF-style: chr11-2466675-G-T.
Other names: c.347G>T, p.Arg116Leu (NM_001406836.1, NM_001406838.1); c.-16G>T (NM_001406837.1); short protein forms R116L.
Identifiers: ClinVar variation 3343855 (VCV003343855.1).